The following is an entry in ClinVar:

NM_182961.4(SYNE1):c.12638A>G (p.His4213Arg)

Gene: SYNE1 (spectrin repeat containing nuclear envelope protein 1; minus strand). Cytogenetic location: 6q25.2.
Variant type: single nucleotide variant.
Coding change: c.12638A>G on transcript NM_182961.4 (MANE Select); coding-DNA position 12638, A replaced by G.
Protein change: p.His4213Arg; replaces histidine 4213 with arginine.
Molecular consequence: missense variant.
Genome position (GRCh38, 1-based): chr6:152,334,164, T>C on the plus strand (A>G on the coding strand, the complement: SYNE1 is on the minus strand). VCF-style: chr6-152334164-T-C. GRCh37 (hg19) VCF-style: chr6-152655299-T-C.
Other names: c.12425A>G, p.His4142Arg (NM_033071.5); short protein forms H4142R, H4213R.
Identifiers: ClinVar variation 499305 (VCV000499305.9), dbSNP rs1032510868, ClinGen allele CA150181785.
Genomic context (GRCh38, chr6:152,334,164, plus strand): 5'-TCCCTTTGCAAGCACAGGTTGTTAGACTGACGGCACAAATCGAGCCACTGATCATTTAAA[T>C]GATTTATTTCCTTGTGTTCAGGCGATTCCTCCTTCTTTGTTAACTTATTCACCTTTTCTA-3'
Protein context (NP_892006.3, residues 4203-4223): EESPEHKEIN[His4213Arg]LNDQWLDLCR

ClinVar aggregate classification (germline): Uncertain significance. Review status: criteria provided, multiple submitters, no conflicts (2 of 4 stars). 2 submissions from 2 submitters: Uncertain significance (2). Last evaluated 2023-06-06.

Conditions:
Emery-Dreifuss muscular dystrophy 4, autosomal dominant (EDMD4). Also called: EMERY-DREIFUSS MUSCULAR DYSTROPHY 4 WITH VARIABLE FEATURES. Identifiers: Orphanet 261, MedGen C2751807, MONDO:0013071, OMIM 612998.
Autosomal recessive ataxia, Beauce type. Also called: SYNE1 Deficiency; Spinocerebellar ataxia, autosomal recessive 8; ATAXIA, RECESSIVE, OF BEAUCE; SYNE1-Related Autosomal Recessive Cerebellar Ataxia. Identifiers: Orphanet 88644, MedGen C1853116, MONDO:0012549, OMIM 610743.

Allele frequency attached by ClinVar (database versions not stated): gnomAD exomes 0.00001; TOPMed 0.00001.
gnomAD v4.1: 3 of 1,614,188 alleles (0.00019%); highest among the groups gnomAD compares: Admixed American, 0.005%; no homozygotes.

Submissions (2):

Labcorp Genetics (formerly Invitae), Labcorp
Classification: Uncertain significance for Emery-Dreifuss muscular dystrophy 4, autosomal dominant; Autosomal recessive ataxia, Beauce type. Last evaluated: 2023-06-06. Review status: criteria provided, single submitter. Criteria: Invitae Variant Classification Sherloc (09022015). Collection method: clinical testing. Allele origin: germline.
Comment: This sequence change replaces histidine, which is basic and polar, with arginine, which is basic and polar, at codon 4142 of the SYNE1 protein (p.His4142Arg). An algorithm developed to predict the effect of missense changes on protein structure and function (PolyPhen-2) suggests that this variant is likely to be tolerated. In summary, the available evidence is currently insufficient to determine the role of this variant in disease. Therefore, it has been classified as a Variant of Uncertain Significance. ClinVar contains an entry for this variant (Variation ID: 499305). This variant has not been reported in the literature in individuals affected with SYNE1-related conditions. This variant is not present in population databases (gnomAD no frequency).

Eurofins Ntd Llc (ga)
Classification: Uncertain significance. Last evaluated: 2017-01-04. Review status: criteria provided, single submitter. Criteria: EGL Classification Definitions 2015. Collection method: clinical testing. Allele origin: germline. Observed: 1 variant allele, 1 heterozygote.